The following is an entry in ClinVar:

ClinVar aggregate classification (germline): Uncertain significance. Review status: criteria provided, multiple submitters, no conflicts (2 of 4 stars). 2 submissions from 2 submitters: Uncertain significance (2). Last evaluated 2023-03-24.

Conditions:
Inborn genetic diseases. Identifiers: MedGen C0950123, MeSH D030342.

gnomAD v4.1: 14 of 1,508,080 alleles (0.00093%); highest among the groups gnomAD compares: Non-Finnish European, 0.0012%; no homozygotes.

Submissions (2):

Ambry Genetics
Classification: Uncertain significance for Inborn genetic diseases. Last evaluated: 2023-03-24. Review status: criteria provided, single submitter. Criteria: Ambry Variant Classification Scheme 2023. Collection method: clinical testing. Allele origin: germline.

Labcorp Genetics (formerly Invitae), Labcorp
Classification: Uncertain significance. Last evaluated: 2022-05-18. Review status: criteria provided, single submitter. Criteria: Invitae Variant Classification Sherloc (09022015). Collection method: clinical testing. Allele origin: germline.
Comment: In summary, the available evidence is currently insufficient to determine the role of this variant in disease. Therefore, it has been classified as a Variant of Uncertain Significance. Experimental studies and prediction algorithms are not available or were not evaluated, and the functional significance of this variant is currently unknown. This variant has not been reported in the literature in individuals affected with COL18A1-related conditions. This variant is present in population databases (no rsID available, gnomAD 0.002%). This sequence change replaces proline, which is neutral and non-polar, with serine, which is neutral and polar, at codon 603 of the COL18A1 protein (p.Pro603Ser).

NM_001379500.1(COL18A1):c.1807C>T (p.Pro603Ser)

Gene: COL18A1 (collagen type XVIII alpha 1 chain; plus strand). Cytogenetic location: 21q22.3.
Variant type: single nucleotide variant.
Coding change: c.1807C>T on transcript NM_001379500.1 (MANE Select); coding-DNA position 1807, C replaced by T.
Protein change: p.Pro603Ser; replaces proline 603 with serine.
Molecular consequence: missense variant.
Genome position (GRCh38, 1-based): chr21:45,486,966, C>T. VCF-style: chr21-45486966-C-T. GRCh37 (hg19) VCF-style: chr21-46906880-C-T.
Other names: NM_130445.2:c.1807C>T; c.2347C>T, p.Pro783Ser (NM_030582.4); c.3052C>T, p.Pro1018Ser (NM_130444.3); short protein forms P603S, P1018S, P783S.
Identifiers: ClinVar variation 2106909 (VCV002106909.6), dbSNP rs1306094852, ClinGen allele CA410496350.